The following is an entry in ClinVar:

NM_001145715.3(KPNA7):c.1333T>C (p.Ser445Pro)

Gene: KPNA7 (karyopherin subunit alpha 7; minus strand). Cytogenetic location: 7q22.1.
Variant type: single nucleotide variant.
Coding change: c.1333T>C on transcript NM_001145715.3 (MANE Select); coding-DNA position 1333, T replaced by C.
Protein change: p.Ser445Pro; replaces serine 445 with proline.
Molecular consequence: missense variant.
Genome position (GRCh38, 1-based): chr7:99,178,051, A>G on the plus strand (T>C on the coding strand, the complement: KPNA7 is on the minus strand). VCF-style: chr7-99178051-A-G. GRCh37 (hg19) VCF-style: chr7-98775674-A-G.
Other names: short protein forms S445P.
Identifiers: ClinVar variation 1967376 (VCV001967376.2), dbSNP rs760915691, ClinGen allele CA4363105.
Genomic context (GRCh38, chr7:99,178,051, plus strand): 5'-CCTCAATTCTATCGATCCCACCAAGTTCTTCTATCAGAAGACACAGGTTTTCCTTCTCAG[A>G]CCGTTTCTCTGCCGCCTGTGACCAAGTACAAGGGGACATGAGACCCCCGGCAGGAGCCTT-3'
Protein context (NP_001139187.1, residues 435-455): SCILQAAEKR[Ser445Pro]EKENLCLLIE

ClinVar aggregate classification (germline): Uncertain significance (1 of 4 stars; one submission).

Allele frequency attached by ClinVar (database versions not stated): TOPMed below 0.00001; gnomAD 0.00001; gnomAD exomes 0.00001; ExAC 0.00005.
gnomAD v4.1: 8 of 1,551,202 alleles (0.00052%); highest among the groups gnomAD compares: Middle Eastern, 0.017%; no homozygotes.

Submission:

Labcorp Genetics (formerly Invitae), Labcorp
Classification: Uncertain significance. Last evaluated: 2022-05-17. Review status: criteria provided, single submitter. Criteria: Invitae Variant Classification Sherloc (09022015). Collection method: clinical testing. Allele origin: germline.
Comment: This sequence change replaces serine, which is neutral and polar, with proline, which is neutral and non-polar, at codon 445 of the KPNA7 protein (p.Ser445Pro). This variant is present in population databases (rs760915691, gnomAD 0.01%). This variant has not been reported in the literature in individuals affected with KPNA7-related conditions. Algorithms developed to predict the effect of missense changes on protein structure and function are either unavailable or do not agree on the potential impact of this missense change (SIFT: "Tolerated"; PolyPhen-2: "Possibly Damaging"; Align-GVGD: "Class C0"). In summary, the available evidence is currently insufficient to determine the role of this variant in disease. Therefore, it has been classified as a Variant of Uncertain Significance.